The following is an entry in ClinVar:

ClinVar aggregate classification (germline): Pathogenic (1 of 4 stars; one submission).

Conditions:
Autosomal recessive nonsyndromic hearing loss 53. Identifiers: Orphanet 90636, MedGen C1864746, MONDO:0012333, OMIM 609706.

Submission:

Institute of Rare Diseases, West China Hospital, Sichuan University
Classification: Pathogenic for Autosomal recessive nonsyndromic hearing loss 53. Last evaluated: 2025-01-09. Review status: criteria provided, single submitter. Criteria: ClinGen HL ACMG Specifications v1. Collection method: research. Allele origin: germline. Affected: yes.
Comment: PVS1;PM3;PM2_Supporting

NM_080680.3(COL11A2):c.3636+1G>A

Gene: COL11A2 (collagen type XI alpha 2 chain; minus strand). Cytogenetic location: 6p21.32.
Variant type: single nucleotide variant.
Coding change: c.3636+1G>A on transcript NM_080680.3 (MANE Select); the canonical splice donor site of the intron after coding-DNA position 3636, G replaced by A.
Molecular consequence: splice donor variant.
Genome position (GRCh38, 1-based): chr6:33,170,046, C>T on the plus strand (G>A on the coding strand, the complement: COL11A2 is on the minus strand). VCF-style: chr6-33170046-C-T. GRCh37 (hg19) VCF-style: chr6-33137823-C-T.
Other names: c.2610+1G>A (NM_001424111.1, NM_001424110.1); c.3315+1G>A (NM_080679.3); c.3378+1G>A (NM_080681.3); c.3456+1G>A (NM_001424108.1); c.2790+1G>A (NM_001424109.1); c.1590+1G>A (NM_001424112.1).
Identifiers: ClinVar variation 3601057 (VCV003601057.1).